The following is an entry in ClinVar:

NM_004304.5(ALK):c.409C>T (p.Arg137Cys)

Gene: ALK (ALK receptor tyrosine kinase; minus strand). Cytogenetic location: 2p23.1.
Variant type: single nucleotide variant.
Coding change: c.409C>T on transcript NM_004304.5 (MANE Select); coding-DNA position 409, C replaced by T.
Protein change: p.Arg137Cys; replaces arginine 137 with cysteine.
Molecular consequence: missense variant.
Genome position (GRCh38, 1-based): chr2:29,920,251, G>A on the plus strand (C>T on the coding strand, the complement: ALK is on the minus strand). VCF-style: chr2-29920251-G-A. GRCh37 (hg19) VCF-style: chr2-30143117-G-A.
Other names: short protein forms R137C.
Identifiers: ClinVar variation 538265 (VCV000538265.10), dbSNP rs757382067, ClinGen allele CA1594975.

ClinVar aggregate classification (germline): Uncertain significance. Review status: criteria provided, multiple submitters, no conflicts (2 of 4 stars). 2 submissions from 2 submitters: Uncertain significance (2). Last evaluated 2025-05-30.

Conditions:
Neuroblastoma, susceptibility to, 3. Also called: ALK-Related Neuroblastic Tumor Susceptibility. Identifiers: Orphanet 635, MedGen C2751681, MONDO:0013083, OMIM 613014.
Hereditary cancer-predisposing syndrome. Also called: Neoplastic Syndromes, Hereditary; Tumor predisposition; Hereditary Cancer Syndrome; Hereditary neoplastic syndrome. Identifiers: Orphanet 140162, MedGen C0027672, MeSH D009386, MONDO:0015356.

gnomAD v4.1: 2 of 1,606,566 alleles (0.00012%); no homozygotes.

Submissions (2):

Labcorp Genetics (formerly Invitae), Labcorp
Classification: Uncertain significance for Neuroblastoma, susceptibility to, 3. Last evaluated: 2025-05-30. Review status: criteria provided, single submitter. Criteria: Invitae Variant Classification Sherloc (09022015). Collection method: clinical testing. Allele origin: germline.
Comment: This sequence change replaces arginine, which is basic and polar, with cysteine, which is neutral and slightly polar, at codon 137 of the ALK protein (p.Arg137Cys). This variant is not present in population databases (gnomAD no frequency). This variant has not been reported in the literature in individuals affected with ALK-related conditions. ClinVar contains an entry for this variant (Variation ID: 538265). An algorithm developed to predict the effect of missense changes on protein structure and function (PolyPhen-2) suggests that this variant is likely to be disruptive. In summary, the available evidence is currently insufficient to determine the role of this variant in disease. Therefore, it has been classified as a Variant of Uncertain Significance.

Ambry Genetics
Classification: Uncertain significance for Hereditary cancer-predisposing syndrome. Last evaluated: 2022-11-10. Review status: criteria provided, single submitter. Criteria: Ambry Variant Classification Scheme 2023. Collection method: clinical testing. Allele origin: germline.
Comment: The p.R137C variant (also known as c.409C>T), located in coding exon 1 of the ALK gene, results from a C to T substitution at nucleotide position 409. The arginine at codon 137 is replaced by cysteine, an amino acid with highly dissimilar properties. This amino acid position is conserved. In addition, this alteration is predicted to be deleterious by in silico analysis. Since supporting evidence is limited at this time, the clinical significance of this alteration remains unclear.